The following is an entry in ClinVar:

NM_001130823.3(DNMT1):c.432T>A (p.Asp144Glu)

Gene: DNMT1 (DNA methyltransferase 1; minus strand). Cytogenetic location: 19p13.2.
Variant type: single nucleotide variant.
Coding change: c.432T>A on transcript NM_001130823.3 (MANE Select); coding-DNA position 432, T replaced by A.
Protein change: p.Asp144Glu; replaces aspartic acid 144 with glutamic acid.
Molecular consequence: missense variant.
Genome position (GRCh38, 1-based): chr19:10,180,363, A>T on the plus strand (T>A on the coding strand, the complement: DNMT1 is on the minus strand). VCF-style: chr19-10180363-A-T. GRCh37 (hg19) VCF-style: chr19-10291039-A-T.
Other names: c.432T>A, p.Asp144Glu (NM_001318730.2, NM_001379.4); c.69T>A, p.Asp23Glu (NM_001318731.2); short protein forms D144E, D23E.
Identifiers: ClinVar variation 5007981 (VCV005007981.1).

ClinVar aggregate classification (germline): Uncertain significance (1 of 4 stars; one submission).

gnomAD v4.1: 1 of 1,612,868 alleles (0.000062%); highest among the groups gnomAD compares: Non-Finnish European, 0.000085%; no homozygotes.

Submission:

GeneDx
Classification: Uncertain significance. Last evaluated: 2026-02-27. Review status: criteria provided, single submitter. Criteria: GeneDx Variant Classification Process June 2021. Collection method: clinical testing. Allele origin: germline.
Comment: Not observed at significant frequency in large population cohorts (gnomAD); In silico analysis suggests that this missense variant does not alter protein structure/function; Has not been previously published as pathogenic or benign to our knowledge